The following is an entry in ClinVar:

ClinVar aggregate classification (germline): Uncertain significance. Review status: criteria provided, multiple submitters, no conflicts (2 of 4 stars). 2 submissions from 2 submitters: Uncertain significance (2). Last evaluated 2025-07-03.

Conditions:
Inborn genetic diseases. Identifiers: MedGen C0950123, MeSH D030342.

gnomAD v4.1: 40 of 1,613,214 alleles (0.0025%); highest among the groups gnomAD compares: Non-Finnish European, 0.0028%; no homozygotes.

Submissions (2):

Ambry Genetics
Classification: Uncertain significance for Inborn genetic diseases. Last evaluated: 2025-07-03. Review status: criteria provided, single submitter. Criteria: Ambry Variant Classification Scheme 2023. Collection method: clinical testing. Allele origin: germline.

GeneDx
Classification: Uncertain significance. Last evaluated: 2024-05-13. Review status: criteria provided, single submitter. Criteria: GeneDx Variant Classification Process June 2021. Collection method: clinical testing. Allele origin: germline. Affected: yes.
Comment: In silico analysis supports that this missense variant has a deleterious effect on protein structure/function; Has not been previously published as pathogenic or benign to our knowledge

NM_018896.5(CACNA1G):c.2090C>T (p.Thr697Ile)

Gene: CACNA1G (calcium voltage-gated channel subunit alpha1 G; plus strand). Cytogenetic location: 17q21.33.
Variant type: single nucleotide variant.
Coding change: c.2090C>T on transcript NM_018896.5 (MANE Select); coding-DNA position 2090, C replaced by T.
Protein change: p.Thr697Ile; replaces threonine 697 with isoleucine.
Molecular consequence: missense variant. On other transcripts: non-coding transcript variant (5).
Genome position (GRCh38, 1-based): chr17:50,578,353, C>T. VCF-style: chr17-50578353-C-T. GRCh37 (hg19) VCF-style: chr17-48655714-C-T.
Other names: c.2090C>T (NM_018896.3); c.2090C>T, p.Thr697Ile (NM_001256324.2, NM_001256325.2, NM_001256326.2 and 24 more transcripts); short protein forms T697I.
Identifiers: ClinVar variation 3378233 (VCV003378233.2).